The following is an entry in ClinVar:

NM_000359.3(TGM1):c.2060G>A (p.Arg687His)

Gene: TGM1 (transglutaminase 1; minus strand). Cytogenetic location: 14q12.
Variant type: single nucleotide variant.
Coding change: c.2060G>A on transcript NM_000359.3 (MANE Select); coding-DNA position 2060, G replaced by A.
Protein change: p.Arg687His; replaces arginine 687 with histidine.
Molecular consequence: missense variant.
Genome position (GRCh38, 1-based): chr14:24,254,692, C>T on the plus strand (G>A on the coding strand, the complement: TGM1 is on the minus strand). VCF-style: chr14-24254692-C-T. GRCh37 (hg19) VCF-style: chr14-24723898-C-T.
Other names: c.2060G>A (NM_000359.2); short protein forms R687H.
Identifiers: ClinVar variation 1453639 (VCV001453639.14), dbSNP rs2139018911, ClinGen allele CA389247303.

ClinVar aggregate classification (germline): Pathogenic/Likely pathogenic. Review status: criteria provided, multiple submitters, no conflicts (2 of 4 stars). 4 submissions from 4 submitters: Pathogenic (3); Likely pathogenic (1). Last evaluated 2025-06-02.

Conditions:
Autosomal recessive congenital ichthyosis 1 (LI1). Also called: ICHTHYOSIS CONGENITA; ICHTHYOSIS CONGENITA II; LAMELLAR EXFOLIATION OF NEWBORN; COLLODION FETUS; DESQUAMATION OF NEWBORN; ICHTHYOSIS, CONGENITAL, AUTOSOMAL RECESSIVE 1, WITH BATHING SUIT DISTRIBUTION. Identifiers: MedGen C4551630, MONDO:0009441, OMIM 242300.

gnomAD v4.1: 5 of 1,613,986 alleles (0.00031%); highest among the groups gnomAD compares: Non-Finnish European, 0.00042%; no homozygotes.

Submissions (4):

Labcorp Genetics (formerly Invitae), Labcorp
Classification: Pathogenic. Last evaluated: 2025-06-02. Review status: criteria provided, single submitter. Criteria: Invitae Variant Classification Sherloc (09022015). Collection method: clinical testing. Allele origin: germline.
Comment: This sequence change replaces arginine, which is basic and polar, with histidine, which is basic and polar, at codon 687 of the TGM1 protein (p.Arg687His). This variant is not present in population databases (gnomAD no frequency). This missense change has been observed in individuals with clinical features of congenital ichthyosis (PMID: 16968736, 19486042, 31168818). It has also been observed to segregate with disease in related individuals. ClinVar contains an entry for this variant (Variation ID: 1453639). Invitae Evidence Modeling of protein sequence and biophysical properties (such as structural, functional, and spatial information, amino acid conservation, physicochemical variation, residue mobility, and thermodynamic stability) has been performed for this missense variant. However, the output from this modeling did not meet the statistical confidence thresholds required to predict the impact of this variant on TGM1 protein function. Experimental studies have shown that this missense change affects TGM1 function (PMID: 19212342). For these reasons, this variant has been classified as Pathogenic.

Revvity Omics, Revvity
Classification: Pathogenic for Autosomal recessive congenital ichthyosis 1. Last evaluated: 2025-03-28. Review status: criteria provided, single submitter. Criteria: ACMG Guidelines, 2015. Collection method: clinical testing. Allele origin: germline.

Natera, Inc.
Classification: Pathogenic for Autosomal recessive congenital ichthyosis type 1. Last evaluated: 2025-02-10. Review status: criteria provided, single submitter. Criteria: Natera Variant Classification Schema (03/2026). Collection method: clinical testing. Allele origin: germline.
Comment: The c.2060G>A variant in TGM1 is a missense variant predicted to cause substitution of arginine to histidine at amino acid 687. This variant is rare in the general population with a frequency below the threshold expected for the associated phenotype(s). This variant has been observed in one or more individuals affected with the associated recessive disease, as either homozygous or compound heterozygous with a second variant (PMID: 31168818, 16968736, 19486042, 38061711). Additionally, this variant has been observed to segregate in affected family members (PMID: 19486042). Functional studies show that this variant may disrupt protein function (PMID: 19212342). Given the available evidence, this variant is classified as Pathogenic.

Fulgent Genetics
Classification: Likely pathogenic for Autosomal recessive congenital ichthyosis 1. Last evaluated: 2024-02-22. Review status: criteria provided, single submitter. Criteria: ACMG Guidelines, 2015. Collection method: clinical testing. Allele origin: germline.

Literature cited by the submitters: PubMed 16968736 (cited by Labcorp Genetics (formerly Invitae), Labcorp and Natera, Inc.); PubMed 19486042 (cited by Labcorp Genetics (formerly Invitae), Labcorp and Natera, Inc.); PubMed 31168818 (cited by Labcorp Genetics (formerly Invitae), Labcorp and Natera, Inc.); PubMed 19212342 (cited by Labcorp Genetics (formerly Invitae), Labcorp and Natera, Inc.); PubMed 38061711 (cited by Natera, Inc.).